The following is an entry in ClinVar:

NM_138694.4(PKHD1):c.1836C>T (p.His612=)

Gene: PKHD1 (PKHD1 ciliary IPT domain containing fibrocystin/polyductin; minus strand). Cytogenetic location: 6p12.2.
Variant type: single nucleotide variant.
Coding change: c.1836C>T on transcript NM_138694.4 (MANE Select); coding-DNA position 1836, C replaced by T.
Protein change: p.His612=; no amino-acid change (histidine 612 retained).
Molecular consequence: synonymous variant.
Genome position (GRCh38, 1-based): chr6:52,055,587, G>A on the plus strand (C>T on the coding strand, the complement: PKHD1 is on the minus strand). VCF-style: chr6-52055587-G-A. GRCh37 (hg19) VCF-style: chr6-51920385-G-A.
Other names: p.His612=; c.1836C>T (NM_138694.3); c.1836C>T, p.His612= (NM_170724.3).
Identifiers: ClinVar variation 2656639 (VCV002656639.27), dbSNP rs138435568, ClinGen allele CA3853428.

ClinVar aggregate classification (germline): Conflicting classifications of pathogenicity. Review status: criteria provided, conflicting classifications (1 of 4 stars). 4 submissions from 4 submitters: Uncertain significance (1); Likely benign (3). Last evaluated 2025-08-08.

Conditions:
PKHD1-related disorder. Also called: PKHD1-related condition.
Polycystic kidney disease 4 (PKD4). Also called: POLYCYSTIC KIDNEY AND HEPATIC DISEASE 1; POLYCYSTIC KIDNEY DISEASE, INFANTILE, TYPE I; POLYCYSTIC KIDNEY DISEASE 4 WITH OR WITHOUT POLYCYSTIC LIVER DISEASE; PKD3; Autosomal Recessive Polycystic Kidney Disease – PKHD1. Identifiers: MedGen C4540575, MONDO:0033004, OMIM 263200.

Allele frequency attached by ClinVar (database versions not stated): ExAC 0.00002; gnomAD 0.00002; ESP Exome Variant Server 0.00008.
gnomAD v4.1: 44 of 1,613,848 alleles (0.0027%); highest among the groups gnomAD compares: African/African-American, 0.004%; no homozygotes.

Submissions (4):

Mayo Clinic Laboratories, Mayo Clinic
Classification: Likely benign. Last evaluated: 2025-08-08. Review status: criteria provided, single submitter. Criteria: ACMG Guidelines, 2015. Collection method: clinical testing. Allele origin: germline. Observed: 1 variant allele.
Comment: BP4, BP7

PreventionGenetics, part of Exact Sciences
Classification: Likely benign for PKHD1-related condition. Last evaluated: 2025-07-03. Review status: criteria provided, single submitter. Criteria: ACMG Guidelines, 2015. Collection method: clinical testing. Allele origin: germline.
Comment: This variant is classified as likely benign based on ACMG/AMP sequence variant interpretation guidelines (Richards et al. 2015 PMID: 25741868, with internal and published modifications).

Fulgent Genetics
Classification: Uncertain significance for Polycystic kidney disease 4. Last evaluated: 2024-03-13. Review status: criteria provided, single submitter. Criteria: ACMG Guidelines, 2015. Collection method: clinical testing. Allele origin: germline.

CeGaT Center for Human Genetics Tuebingen
Classification: Likely benign. Last evaluated: 2023-03-01. Review status: criteria provided, single submitter. Criteria: CeGaT Center For Human Genetics Tuebingen Variant Classification Criteria Version 2. Collection method: clinical testing. Allele origin: germline. Affected: yes. Observed: 1 variant allele.
Comment: PKHD1: BP4, BP7